The following is an entry in ClinVar:

NM_018075.5(ANO10):c.145C>T (p.Gln49Ter)

Gene: ANO10 (anoctamin 10; minus strand). Cytogenetic location: 3p21.33.
Variant type: single nucleotide variant.
Coding change: c.145C>T on transcript NM_018075.5 (MANE Select); coding-DNA position 145, C replaced by T.
Protein change: p.Gln49Ter; replaces glutamine 49 with a stop codon.
Molecular consequence: nonsense. On other transcripts: intron variant (4).
Genome position (GRCh38, 1-based): chr3:43,600,576, G>A on the plus strand (C>T on the coding strand, the complement: ANO10 is on the minus strand). VCF-style: chr3-43600576-G-A. GRCh37 (hg19) VCF-style: chr3-43642068-G-A.
Other names: c.145C>T, p.Gln49Ter (NM_001204831.3, NM_001204834.3, NM_001346463.2 and 4 more transcripts); c.140-1910C>T (NM_001346469.2, NM_001204832.3, NM_001346466.2); c.139+5138C>T (NM_001204833.3); short protein forms Q49*.
Identifiers: ClinVar variation 3589165 (VCV003589165.2).

ClinVar aggregate classification (germline): Pathogenic/Likely pathogenic. Review status: criteria provided, multiple submitters, no conflicts (2 of 4 stars). 2 submissions from 2 submitters: Pathogenic (1); Likely pathogenic (1). Last evaluated 2024-11-04.

Conditions:
Autosomal recessive spinocerebellar ataxia 10. Identifiers: Orphanet 284289, MedGen C3150998, MONDO:0013392, OMIM 613728.

Submissions (2):

Myriad Genetics, Inc.
Classification: Pathogenic for Autosomal recessive spinocerebellar ataxia 10. Last evaluated: 2024-11-04. Review status: criteria provided, single submitter. Criteria: Myriad Autosomal Dominant, Autosomal Recessive and X-Linked Classification Criteria (2023). Collection method: clinical testing. Allele origin: unknown.
Comment: NM_018075.3(ANO10):c.145C>T(Q49*) is expected to be pathogenic in the context of spinocerebellar ataxia, ANO10-related. This variant is predicted to lead to an abnormal or absent protein product due to the creation of a premature termination codon in ANO10, a gene where loss-of-function variants are known to be pathogenic. Please note: this variant was assessed in the context of healthy population screening.

Fulgent Genetics
Classification: Likely pathogenic for Autosomal recessive spinocerebellar ataxia 10. Last evaluated: 2024-05-30. Review status: criteria provided, single submitter. Criteria: ACMG Guidelines, 2015. Collection method: clinical testing. Allele origin: germline.